The following is an entry in ClinVar:

ClinVar aggregate classification (germline): Uncertain significance. Review status: criteria provided, single submitter (1 of 4 stars). 2 submissions from 2 submitters: Uncertain significance (1). 1 of the submissions does not count toward it. Last evaluated 2025-11-10.

Conditions:
Fumarase deficiency (FMRD). Also called: Fumarate Hydratase Deficiency; Fumaric aciduria. Identifiers: Orphanet 24, MedGen C0342770, MONDO:0011730, OMIM 606812.

Submissions (2):

Labcorp Genetics (formerly Invitae), Labcorp
Classification: Uncertain significance. Last evaluated: 2025-11-10. Review status: criteria provided, single submitter. Criteria: Invitae Variant Classification Sherloc (09022015). Collection method: clinical testing. Allele origin: germline.
Comment: This sequence change replaces valine, which is neutral and non-polar, with alanine, which is neutral and non-polar, at codon 15 of the FH protein (p.Val15Ala). This variant is not present in population databases (gnomAD no frequency). This variant has not been reported in the literature in individuals affected with FH-related conditions. ClinVar contains an entry for this variant (Variation ID: 935590). Invitae Evidence Modeling of protein sequence and biophysical properties (such as structural, functional, and spatial information, amino acid conservation, physicochemical variation, residue mobility, and thermodynamic stability) indicates that this missense variant is not expected to disrupt FH protein function with a negative predictive value of 95%. In summary, the available evidence is currently insufficient to determine the role of this variant in disease. Therefore, it has been classified as a Variant of Uncertain Significance.

Natera, Inc.
Classification: Uncertain significance for Fumarase Deficiency. Last evaluated: 2020-11-16. Review status: no assertion criteria provided. Collection method: clinical testing. Allele origin: germline. Not counted in ClinVar's aggregate classification.

NM_000143.4(FH):c.44T>C (p.Val15Ala)

Gene: FH (fumarate hydratase; minus strand). Cytogenetic location: 1q43.
Variant type: single nucleotide variant.
Coding change: c.44T>C on transcript NM_000143.4 (MANE Select); coding-DNA position 44, T replaced by C.
Protein change: p.Val15Ala; replaces valine 15 with alanine.
Molecular consequence: missense variant.
Genome position (GRCh38, 1-based): chr1:241,519,679, A>G on the plus strand (T>C on the coding strand, the complement: FH is on the minus strand). VCF-style: chr1-241519679-A-G. GRCh37 (hg19) VCF-style: chr1-241682979-A-G.
Other names: short protein forms V15A.
Identifiers: ClinVar variation 935590 (VCV000935590.13), dbSNP rs1660322018, ClinGen allele CA345442967.